The following is an entry in ClinVar:

ClinVar aggregate classification (germline): Uncertain significance. Review status: criteria provided, multiple submitters, no conflicts (2 of 4 stars). 3 submissions from 3 submitters: Uncertain significance (3). Last evaluated 2026-05-14.

Conditions:
Inborn genetic diseases. Identifiers: MedGen C0950123, MeSH D030342.

gnomAD v4.1: 1 of 1,551,672 alleles (0.000064%); highest among the groups gnomAD compares: Non-Finnish European, 0.000087%; no homozygotes.

Submissions (3):

Ambry Genetics
Classification: Uncertain significance for Inborn genetic diseases. Last evaluated: 2026-05-14. Review status: criteria provided, single submitter. Criteria: Ambry Variant Classification Scheme 2023. Collection method: clinical testing. Allele origin: germline.

Dasa
Classification: Uncertain significance. Last evaluated: 2026-03-29. Review status: criteria provided, single submitter. Criteria: DASA Assertion Criteria. Collection method: clinical testing. Allele origin: germline.
Comment: NM_020928.2(ZSWIM6):c.856C>T (p.Pro286Ser) is a missense variant that results in the substitution of proline with serine. This variant is rare in population databases. The currently available literature and clinical evidence are not sufficient to establish a definitive association between this variant and the reported condition. Therefore, this variant is classified as a variant of uncertain significance.

Labcorp Genetics (formerly Invitae), Labcorp
Classification: Uncertain significance. Last evaluated: 2024-08-11. Review status: criteria provided, single submitter. Criteria: Invitae Variant Classification Sherloc (09022015). Collection method: clinical testing. Allele origin: germline.
Comment: This sequence change replaces proline, which is neutral and non-polar, with serine, which is neutral and polar, at codon 286 of the ZSWIM6 protein (p.Pro286Ser). This variant is not present in population databases (gnomAD no frequency). This variant has not been reported in the literature in individuals affected with ZSWIM6-related conditions. Advanced modeling of protein sequence and biophysical properties (such as structural, functional, and spatial information, amino acid conservation, physicochemical variation, residue mobility, and thermodynamic stability) performed at Invitae indicates that this missense variant is not expected to disrupt ZSWIM6 protein function with a negative predictive value of 80%. In summary, the available evidence is currently insufficient to determine the role of this variant in disease. Therefore, it has been classified as a Variant of Uncertain Significance.

NM_020928.2(ZSWIM6):c.856C>T (p.Pro286Ser)

Gene: ZSWIM6 (zinc finger SWIM-type containing 6; plus strand). Cytogenetic location: 5q12.1.
Variant type: single nucleotide variant.
Coding change: c.856C>T on transcript NM_020928.2 (MANE Select); coding-DNA position 856, C replaced by T.
Protein change: p.Pro286Ser; replaces proline 286 with serine.
Molecular consequence: missense variant.
Genome position (GRCh38, 1-based): chr5:61,472,860, C>T. VCF-style: chr5-61472860-C-T. GRCh37 (hg19) VCF-style: chr5-60768687-C-T.
Other names: c.856C>T (NM_020928.1); short protein forms P286S.
Identifiers: ClinVar variation 3684963 (VCV003684963.5).